The following is an entry in ClinVar:

NM_001164462.2(MUC12):c.8611G>A (p.Ala2871Thr)

Gene: MUC12 (mucin 12, cell surface associated; plus strand). Cytogenetic location: 7q22.1.
Variant type: single nucleotide variant.
Coding change: c.8611G>A on transcript NM_001164462.2 (MANE Select); coding-DNA position 8611, G replaced by A.
Protein change: p.Ala2871Thr; replaces alanine 2871 with threonine.
Molecular consequence: missense variant.
Genome position (GRCh38, 1-based): chr7:100,999,174, G>A. VCF-style: chr7-100999174-G-A. GRCh37 (hg19) VCF-style: chr7-100642455-G-A.
Other names: short protein forms A2871T.
Identifiers: ClinVar variation 156706 (VCV000156706.1), dbSNP rs200303708, ClinGen allele CA248400.

ClinVar aggregate classification (germline): not provided (0 of 4 stars; one submission).

Allele frequency attached by ClinVar (database versions not stated): gnomAD 0.02644 and 0.02682; 1000 Genomes Project 30x 0.12664; ExAC 0.22440; gnomAD exomes 0.02354.

Submission:

James Howe Lab, University of Iowa Hospital and Clinics
No classification provided. Review status: no classification provided. Collection method: not provided. Allele origin: unknown.
Comment: Analysis of CDKN1B mutations in 86 patients with small bowel neuroendocrine tumors and 68 patients with pancreas neuroendocrine tumors.